The following is an entry in ClinVar:

ClinVar aggregate classification (germline): Likely pathogenic (1 of 4 stars; one submission).

Allele frequency attached by ClinVar (database versions not stated): gnomAD exomes below 0.00001; ExAC 0.00001; TOPMed 0.00001.

Submission:

GeneDx
Classification: Likely pathogenic. Last evaluated: 2018-10-26. Review status: criteria provided, single submitter. Criteria: GeneDx Variant Classification (06012015). Collection method: clinical testing. Allele origin: germline. Affected: yes.
Comment: The c.1394delA variant in the TRIM37 gene has not been reported previously as a pathogenic variant nor as a benign variant, to our knowledge. The c.1394delA variant causes a frameshift starting with codon Aspartic Acid 465, changes this amino acid to a Valine residue, and creates a premature Stop codon at position 27 of the new reading frame, denoted p.Asp465ValfsX27. This variant is predicted to cause loss of normal protein function either through protein truncation or nonsense-mediated mRNA decay. The c.1394delA variant is not observed in large population cohorts (Lek et al., 2016). We interpret c.1394delA as a likely pathogenic variant.

NM_015294.6(TRIM37):c.1394del (p.Asp465fs)

Gene: TRIM37 (tripartite motif containing 37; minus strand). Cytogenetic location: 17q22.
Variant type: Deletion.
Coding change: c.1394del on transcript NM_015294.6 (MANE Select); coding-DNA position 1394, one base deleted (A; older notation c.1394delA).
Protein change: p.Asp465fs; shifts the reading frame from aspartic acid 465.
Molecular consequence: frameshift variant. On other transcripts: non-coding transcript variant (2).
Genome position (GRCh38, 1-based): chr17:59,049,314, T deleted on the plus strand (A on the coding strand, the reverse complement: TRIM37 is on the minus strand). VCF-style (leftmost placement, unchanged base first): chr17-59049313-AT-A. GRCh37 (hg19) VCF-style: chr17-57126674-AT-A.
Other names: c.1394del, p.Asp465fs (NM_001005207.5, NM_001320988.3, NM_001320989.3 and 1 more transcripts); c.1292del, p.Asp431fs (NM_001320987.3, NM_001353082.2); c.1028del, p.Asp343fs (NM_001320990.3); c.659del, p.Asp220fs (NM_001353083.2); c.932del, p.Asp311fs (NM_001353085.2); c.1343del, p.Asp448fs (NM_001353086.2); short protein forms D311fs, D343fs, D448fs, D465fs, D220fs, D431fs.
Identifiers: ClinVar variation 817279 (VCV000817279.1), dbSNP rs761042752, ClinGen allele CA8678303.